The following is an entry in ClinVar:

NM_000540.3(RYR1):c.7835+5_7835+26dup

Gene: RYR1 (ryanodine receptor 1; plus strand). Cytogenetic location: 19q13.2.
Variant type: Duplication.
Coding change: c.7835+5_7835+26dup on transcript NM_000540.3 (MANE Select); bases 5 to 26 of the intron after coding-DNA position 7835, 22 bases duplicated (AGCGGGGCAGGCTTCAGGGTGG).
Molecular consequence: splice donor variant.
Genome position (GRCh38, 1-based): chr19:38,502,732-38,502,753, AGCGGGGCAGGCTTCAGGGTGG duplicated; duplicating any 22 consecutive bases within chr19:38,502,727-38,502,753 gives the same sequence; the c. name uses the placement nearest the transcript's 3' end. VCF-style (leftmost placement, unchanged base first): chr19-38502726-A-AGGTGGAGCGGGGCAGGCTTCAG. GRCh37 (hg19) VCF-style: chr19-38993366-A-AGGTGGAGCGGGGCAGGCTTCAG.
Other names: c.7835+5_7835+26dup (NM_001042723.2).
Identifiers: ClinVar variation 1570069 (VCV001570069.10), dbSNP rs762183772, ClinGen allele CA2523901509.
Genomic context (GRCh38, chr19:38,502,726, plus strand): 5'-GGTCGTTCGCTCACCAAGGCGCAGCGTGACGTCATCGAGGACTGCCTCATGTCGCTCTGC[A>AGGTGGAGCGGGGCAGGCTTCAG]GGTGGAGCGGGGCAGGCTTCAGGGTGGGGCAGGGGCAGGGGCAGGGGCAGGGGCAGGGGC-3'

ClinVar aggregate classification (germline): Conflicting classifications of pathogenicity. Review status: criteria provided, conflicting classifications (1 of 4 stars). 3 submissions from 3 submitters: Uncertain significance (2); Likely benign (1). Last evaluated 2024-03-24.

Conditions:
RYR1-related disorder. Also called: RYR1-related condition; RYR1-related disorders. Identifiers: MedGen CN239331.
Malignant hyperthermia, susceptibility to, 1 (MHS1). Also called: RYR1-Related Malignant Hyperthermia Susceptibility; Anesthesia related hyperthermia; Malignant hyperpyrexia; Fulminating hyperpyrexia; Pharmacogenic myopathy; Malignant hyperthermia suceptibility 1. Identifiers: Orphanet 423, MedGen C2930980, MONDO:0007783, OMIM 145600.

Submissions (3):

All of Us Research Program, National Institutes of Health
Classification: Uncertain significance for Malignant hyperthermia, susceptibility to, 1. Last evaluated: 2024-03-24. Review status: criteria provided, single submitter. Criteria: ACMG Guidelines, 2015. Collection method: clinical testing. Allele origin: germline. Inheritance: Autosomal dominant inheritance. Observed: 4 variant alleles, 4 heterozygotes.
Comment: This variant causes a duplication of 22 nucleotides in intron 48 of the RYR1 gene. To our knowledge, functional studies have not been reported for this variant. This variant has not been reported in individuals affected with RYR1-related disorders in the literature. This variant has not been identified in the general population by the Genome Aggregation Database (gnomAD). The available evidence is insufficient to determine the role of this variant in disease conclusively. Therefore, this variant is classified as a Variant of Uncertain Significance.

This study involves interpretation of variants in research participants for the purpose of population health screening. Participant phenotype was not available at the time of variant classification. Additional details can be found in publication PMID: 35346344, PMCID: PMC8962531

Color Diagnostics, LLC DBA Color Health
Classification: Uncertain significance for Malignant hyperthermia, susceptibility to, 1. Last evaluated: 2024-03-13. Review status: criteria provided, single submitter. Criteria: ACMG Guidelines, 2015. Collection method: clinical testing. Allele origin: germline.
Comment: This variant causes a duplication of 22 nucleotides in intron 48 of the RYR1 gene. To our knowledge, functional studies have not been reported for this variant. This variant has not been reported in individuals affected with RYR1-related disorders in the literature. This variant has not been identified in the general population by the Genome Aggregation Database (gnomAD). The available evidence is insufficient to determine the role of this variant in disease conclusively. Therefore, this variant is classified as a Variant of Uncertain Significance.

Labcorp Genetics (formerly Invitae), Labcorp
Classification: Likely benign for RYR1-related disorder. Last evaluated: 2024-01-03. Review status: criteria provided, single submitter. Criteria: Invitae Variant Classification Sherloc (09022015). Collection method: clinical testing. Allele origin: germline.